The following is an entry in ClinVar:

NM_001379500.1(COL18A1):c.107-11944C>T

Gene: COL18A1 (collagen type XVIII alpha 1 chain; plus strand). Cytogenetic location: 21q22.3.
Variant type: single nucleotide variant.
Coding change: c.107-11944C>T on transcript NM_001379500.1 (MANE Select); 11944 bases into the intron before coding-DNA position 107, C replaced by T.
Molecular consequence: intron variant. On other transcripts: synonymous variant (1).
Genome position (GRCh38, 1-based): chr21:45,456,298, C>T. VCF-style: chr21-45456298-C-T. GRCh37 (hg19) VCF-style: chr21-46876212-C-T.
Other names: c.768C>T, p.Asp256= (NM_130444.3); c.646+122C>T (NM_030582.4); c.768C>T (NM_130444.2).
Identifiers: ClinVar variation 4946569 (VCV004946569.2).
Genomic context (GRCh38, chr21:45,456,298, plus strand): 5'-AGACAGCCAAGGACTCTCGCCCGCCGCAGCCGCTCCCAGCCAGCAGCTCCAACGCCCTGA[C>T]GTCCGCCTGCGCACGCCACTTCTGCACCCCCTGGTGATGGGCTCCCTGGGCAAGCACGCG-3'

ClinVar aggregate classification (germline): Likely benign. Review status: criteria provided, multiple submitters, no conflicts (2 of 4 stars). 2 submissions from 2 submitters: Likely benign (2). Last evaluated 2024-12-18.

Conditions:
COL18A1-related disorder. Also called: COL18A1-related condition; COL18A1-related disorders.

gnomAD v4.1: 231 of 1,557,380 alleles (0.015%); highest among the groups gnomAD compares: African/African-American, 0.2%; no homozygotes.

Submissions (2):

PreventionGenetics, part of Exact Sciences
Classification: Likely benign for COL18A1-related condition. Last evaluated: 2024-12-18. Review status: criteria provided, single submitter. Criteria: ACMG Guidelines, 2015. Collection method: clinical testing. Allele origin: germline.
Comment: This variant is classified as likely benign based on ACMG/AMP sequence variant interpretation guidelines (Richards et al. 2015 PMID: 25741868, with internal and published modifications).

Blueprint Genetics
Classification: Likely benign. Last evaluated: 2023-09-27. Review status: criteria provided, single submitter. Criteria: ACMG Guidelines, 2015. Collection method: clinical testing. Allele origin: germline.